The following is an entry in ClinVar:

GRCh37/hg19 15q11.2-13.1(chr15:22770422-29013164)x3

Genes: ATP10A (ATPase phospholipid transporting 10A (putative); minus strand), CYFIP1 (cytoplasmic FMR1 interacting protein 1; minus strand), GABRA5 (gamma-aminobutyric acid type A receptor subunit alpha5; plus strand), IPW (imprinted in Prader-Willi syndrome; plus strand), GABRB3 (gamma-aminobutyric acid type A receptor subunit beta3; minus strand) and 24 more. Cytogenetic location: 15q11.2-13.1.
Variant type: copy number gain.
Change: copy number 3 (three copies instead of two) of chr15:22,770,422-29,013,164 (6.24 Mb, GRCh37 coordinates, 1-based), cytogenetic band 15q11.2-13.1.
Identifiers: ClinVar variation 2684750 (VCV002684750.1).

ClinVar aggregate classification (germline): Pathogenic (1 of 4 stars; one submission).

Submission:

Quest Diagnostics Nichols Institute San Juan Capistrano
Classification: Pathogenic. Last evaluated: 2022-09-21. Review status: criteria provided, single submitter. Criteria: ACMG/ClinGen CNV Guidelines, 2019. Collection method: clinical testing. Allele origin: unknown.
Comment: This copy number gain overlaps the Prader Willi/Angelman syndrome (PWS/AS) critical region and the interval (BP1-BP3) associated with recurrent 15q11q13 duplication syndrome (OMIM 608636). Clinical features associated with 15q11-q13 duplication syndrome (OMIM 608636) can vary between and within families (Urraca 2013, Marini 2013, Song 2022, Lusk 2016). Therefore, this copy number variant is classified as pathogenic. References: Lusk et al., GeneReviews [Internet]. Seattle (WA): University of Washington, Seattle; 1993. 2016 Jun 16 [updated 2021 Jul 15]. PMID: 27308687 Marini et al. Am J Med Genet A. 2013;161A(6):1459-64. PMID: 23633446 Urraca et al. Autism Res. 2013;6(4):268-79 PMID: 23495136